The following is an entry in ClinVar:

ClinVar aggregate classification (germline): Uncertain significance (1 of 4 stars; one submission).

Conditions:
Epileptic encephalopathy. Identifiers: MedGen C0543888, HP:0200134.

Submission:

Labcorp Genetics (formerly Invitae), Labcorp
Classification: Uncertain significance for Epileptic encephalopathy. Last evaluated: 2020-02-22. Review status: criteria provided, single submitter. Criteria: Invitae Variant Classification Sherloc (09022015). Collection method: clinical testing. Allele origin: germline.
Comment: In summary, the available evidence is currently insufficient to determine the role of this variant in disease. Therefore, it has been classified as a Variant of Uncertain Significance. Algorithms developed to predict the effect of missense changes on protein structure and function (SIFT, PolyPhen-2, Align-GVGD) all suggest that this variant is likely to be tolerated, but these predictions have not been confirmed by published functional studies and their clinical significance is uncertain. This variant has not been reported in the literature in individuals with RYR3-related disease. This variant is not present in population databases (ExAC no frequency). This sequence change replaces proline with serine at codon 4017 of the RYR3 protein (p.Pro4017Ser). The proline residue is moderately conserved and there is a moderate physicochemical difference between proline and serine.

NM_001036.6(RYR3):c.12049C>T (p.Pro4017Ser)

Gene: RYR3 (ryanodine receptor 3; plus strand). Cytogenetic location: 15q14.
Variant type: single nucleotide variant.
Coding change: c.12049C>T on transcript NM_001036.6 (MANE Select); coding-DNA position 12049, C replaced by T.
Protein change: p.Pro4017Ser; replaces proline 4017 with serine.
Molecular consequence: missense variant.
Genome position (GRCh38, 1-based): chr15:33,838,029, C>T. VCF-style: chr15-33838029-C-T. GRCh37 (hg19) VCF-style: chr15-34130230-C-T.
Other names: c.12034C>T, p.Pro4012Ser (NM_001243996.4); short protein forms P4012S, P4017S.
Identifiers: ClinVar variation 952089 (VCV000952089.9), dbSNP rs2078146981, ClinGen allele CA391593529.
Genomic context (GRCh38, chr15:33,838,029, plus strand): 5'-TTATTGACAAATCTTTCTGAACACATGCCAAACGATTCCCGCCTGAAGTGTCTGTTGGAC[C>T]CAGCAGAAAGTGTGCTAAATTACTTCGAACCCTACCTAGGACGCATCGAGATCATGGGTG-3'
Protein context (NP_001027.3, residues 4007-4027): NDSRLKCLLD[Pro4017Ser]AESVLNYFEP